The following is an entry in ClinVar:

NM_001194998.2(CEP152):c.1783-2A>G

Gene: CEP152 (centrosomal protein 152; minus strand). Cytogenetic location: 15q21.1.
Variant type: single nucleotide variant.
Coding change: c.1783-2A>G on transcript NM_001194998.2 (MANE Select); the canonical splice acceptor site of the intron before coding-DNA position 1783, A replaced by G.
Molecular consequence: splice acceptor variant.
Genome position (GRCh38, 1-based): chr15:48,769,083, T>C on the plus strand (A>G on the coding strand, the complement: CEP152 is on the minus strand). VCF-style: chr15-48769083-T-C. GRCh37 (hg19) VCF-style: chr15-49061280-T-C.
Other names: c.1783-2A>G (NM_014985.4).
Identifiers: ClinVar variation 2736443 (VCV002736443.3), dbSNP rs2504721792, ClinGen allele CA392351033.

ClinVar aggregate classification (germline): Likely pathogenic (1 of 4 stars; one submission).

Allele frequency attached by ClinVar (database versions not stated): gnomAD exomes below 0.00001.
gnomAD v4.1: 5 of 1,603,300 alleles (0.00031%); highest among the groups gnomAD compares: Non-Finnish European, 0.00043%; no homozygotes.

Submission:

Labcorp Genetics (formerly Invitae), Labcorp
Classification: Likely pathogenic. Last evaluated: 2023-11-25. Review status: criteria provided, single submitter. Criteria: Invitae Variant Classification Sherloc (09022015). Collection method: clinical testing. Allele origin: germline.
Comment: This sequence change affects an acceptor splice site in intron 13 of the CEP152 gene. It is expected to disrupt RNA splicing. Variants that disrupt the donor or acceptor splice site typically lead to a loss of protein function (PMID: 16199547), and loss-of-function variants in CEP152 are known to be pathogenic (PMID: 21131973). This variant is not present in population databases (gnomAD no frequency). This variant has not been reported in the literature in individuals affected with CEP152-related conditions. Algorithms developed to predict the effect of sequence changes on RNA splicing suggest that this variant may disrupt the consensus splice site. In summary, the currently available evidence indicates that the variant is pathogenic, but additional data are needed to prove that conclusively. Therefore, this variant has been classified as Likely Pathogenic.

Literature cited by the submitters: PubMed 16199547; PubMed 21131973.